The following is an entry in ClinVar:

ClinVar aggregate classification (germline): Uncertain significance (1 of 4 stars; one submission).

Allele frequency attached by ClinVar (database versions not stated): gnomAD exomes below 0.00001; TOPMed 0.00002; gnomAD 0.00003.

Submission:

Labcorp Genetics (formerly Invitae), Labcorp
Classification: Uncertain significance. Last evaluated: 2025-01-08. Review status: criteria provided, single submitter. Criteria: Invitae Variant Classification Sherloc (09022015). Collection method: clinical testing. Allele origin: germline.
Comment: This sequence change replaces asparagine, which is neutral and polar, with serine, which is neutral and polar, at codon 774 of the TLR7 protein (p.Asn774Ser). This variant is present in population databases (no rsID available, gnomAD 0.009%). This variant has not been reported in the literature in individuals affected with TLR7-related conditions. ClinVar contains an entry for this variant (Variation ID: 2091486). An algorithm developed to predict the effect of missense changes on protein structure and function (PolyPhen-2) suggests that this variant is likely to be disruptive. In summary, the available evidence is currently insufficient to determine the role of this variant in disease. Therefore, it has been classified as a Variant of Uncertain Significance.

NM_016562.4(TLR7):c.2321A>G (p.Asn774Ser)

Gene: TLR7 (toll like receptor 7; plus strand). Cytogenetic location: Xp22.2.
Variant type: single nucleotide variant.
Coding change: c.2321A>G on transcript NM_016562.4 (MANE Select); coding-DNA position 2321, A replaced by G.
Protein change: p.Asn774Ser; replaces asparagine 774 with serine.
Molecular consequence: missense variant.
Genome position (GRCh38, 1-based): chrX:12,887,829, A>G. VCF-style: chrX-12887829-A-G. GRCh37 (hg19) VCF-style: chrX-12905948-A-G.
Other names: short protein forms N774S.
Identifiers: ClinVar variation 2091486 (VCV002091486.4), dbSNP rs1356760534, ClinGen allele CA412410027.